The following is an entry in ClinVar:

NM_001077365.2(POMT1):c.428-232A>G

Gene: POMT1 (protein O-mannosyltransferase 1; plus strand). Cytogenetic location: 9q34.13.
Variant type: single nucleotide variant.
Coding change: c.428-232A>G on transcript NM_001077365.2 (MANE Select); 232 bases into the intron before coding-DNA position 428, A replaced by G.
Molecular consequence: intron variant.
Genome position (GRCh38, 1-based): chr9:131,508,679, A>G. VCF-style: chr9-131508679-A-G. GRCh37 (hg19) VCF-style: chr9-134384066-A-G.
Other names: c.266-232A>G (NM_001353198.2, NM_001353194.2, NM_001374689.1 and 3 more transcripts); c.428-232A>G (NM_001353193.2, NM_001136113.2, NM_007171.4 and 1 more transcripts); c.77-232A>G (NM_001374691.1, NM_001353195.2, NM_001374692.1 and 2 more transcripts); c.338-232A>G (NM_001353196.2); c.-29-232A>G (NM_001374695.1, NM_001353200.2).
Identifiers: ClinVar variation 667980 (VCV000667980.1), dbSNP rs10793880, ClinGen allele CA16375511.

ClinVar aggregate classification (germline): Benign (1 of 4 stars; one submission).

Allele frequency attached by ClinVar (database versions not stated): 1000 Genomes Project 30x 0.86696; TOPMed 0.86892; 1000 Genomes Project 0.87081; gnomAD 0.88251 and 0.88697.
gnomAD v4.1: 134,951 of 152,114 alleles (89%); highest among the groups gnomAD compares: South Asian, 97%; 60,576 homozygotes.

Submission:

GeneDx
Classification: Benign. Last evaluated: 2018-06-14. Review status: criteria provided, single submitter. Criteria: GeneDx Variant Classification (06012015). Collection method: clinical testing. Allele origin: germline. Affected: yes.
Comment: This variant is considered likely benign or benign based on one or more of the following criteria: it is a conservative change, it occurs at a poorly conserved position in the protein, it is predicted to be benign by multiple in silico algorithms, and/or has population frequency not consistent with disease.